The following continues an entry in ClinVar:

NM_024301.5(FKRP):c.1073C>T (p.Pro358Leu)

Gene: FKRP. ClinVar aggregate classification (germline): Conflicting classifications of pathogenicity. Pathogenic (10); Likely pathogenic (2); Uncertain significance (5).

Submissions 10 to 18 of 18:

New York Genome Center
Classification: Likely pathogenic for Muscular dystrophy-dystroglycanopathy (congenital with brain and eye anomalies), type A5; Muscular dystrophy-dystroglycanopathy type B5; Autosomal recessive limb-girdle muscular dystrophy type 2I. Last evaluated: 2023-05-26. Review status: criteria provided, single submitter. Criteria: NYGC Assertion Criteria 2020. Collection method: clinical testing. Allele origin: germline. Observed: 2 heterozygotes. Clinical features observed: Cardiomyopathy (HP:0001638), Ocular albinism (HP:0001107), Visual impairment (HP:0000505), Generalized hypotonia (HP:0001290), Global developmental delay (HP:0001263), Nystagmus (HP:0000639). Study: CSER-NYCKidSeq.

Department of Pathology and Laboratory Medicine, Sinai Health System
Classification: Uncertain significance for Muscular dystrophy-dystroglycanopathy (congenital with brain and eye anomalies), type A5; Muscular dystrophy-dystroglycanopathy type B5; Muscular dystrophy-dystroglycanopathy (congenital with brain and eye anomalies), type A1; Autosomal recessive limb-girdle muscular dystrophy type 2I. Last evaluated: 2023-04-26. Review status: criteria provided, single submitter. Criteria: ACMG Guidelines, 2015. Collection method: research. Allele origin: germline.

MGZ Medical Genetics Center
Classification: Likely pathogenic for Autosomal recessive limb-girdle muscular dystrophy type 2I. Last evaluated: 2021-12-02. Review status: criteria provided, single submitter. Criteria: ACMG Guidelines, 2015. Collection method: clinical testing. Allele origin: germline. Affected: yes. Observed: 1 variant allele.
Comment: ACMG criteria applied: PS4_MOD, PM3, PM2_SUP, PP3

Institute of Human Genetics Munich, TUM University Hospital
Classification: Pathogenic for Autosomal recessive limb-girdle muscular dystrophy type 2I. Last evaluated: 2020-11-09. Review status: criteria provided, single submitter. Criteria: Classification criteria August 2017. Collection method: clinical testing. Allele origin: germline. Inheritance: Autosomal recessive inheritance. Affected: yes. Observed: 1 variant allele.

Revvity Omics, Revvity
Classification: Uncertain significance. Last evaluated: 2019-03-28. Review status: criteria provided, single submitter. Criteria: ACMG Guidelines, 2015. Collection method: clinical testing. Allele origin: germline.

Stanford Center for Inherited Cardiovascular Disease, Stanford University
Classification: Uncertain significance. Last evaluated: 2017-04-05. Review status: criteria provided, single submitter. Criteria: ACMG Guidelines, 2015. Collection method: provider interpretation. Allele origin: germline.

Eurofins Ntd Llc (ga)
Classification: Uncertain significance. Last evaluated: 2016-06-27. Review status: criteria provided, single submitter. Criteria: EGL Classification Definitions 2015. Collection method: clinical testing. Allele origin: germline. Observed: 2 variant alleles, 2 heterozygotes.

Baylor Genetics
Classification: Pathogenic for Autosomal recessive limb-girdle muscular dystrophy type 2I. Review status: criteria provided, single submitter. Criteria: ACMG Guidelines, 2015. Collection method: clinical testing. Allele origin: unknown.

PreventionGenetics, part of Exact Sciences
Classification: Likely pathogenic for FKRP-related condition. Last evaluated: 2024-05-16. Review status: no assertion criteria provided. Collection method: clinical testing. Allele origin: germline. Not counted in ClinVar's aggregate classification.
Comment: The FKRP c.1073C>T variant is predicted to result in the amino acid substitution p.Pro358Leu. This variant has been reported the compound heterozygous state in at least three individuals and in the homozygous state in one individual with FKRP-related disorders (de Paula. 2003. PubMed ID: 14647208; Boito et al 2005. PubMed ID: 16344347; Boito et al. 2007. PubMed ID: 17952692). This variant is reported in 0.23% of alleles in individuals of Ashkenazi Jewish descent in gnomAD. This variant is interpreted as likely pathogenic.

Literature cited by the submitters: PubMed 14647208 (cited by 3 submitters); PubMed 16344347 (cited by Ambry Genetics and Labcorp Genetics (formerly Invitae), Labcorp); PubMed 28688748 (cited by Ambry Genetics and Women's Health and Genetics/Laboratory Corporation of America, LabCorp); PubMed 29382405 (cited by 3 submitters); PubMed 32115343 (cited by 3 submitters); PubMed 32342672 (cited by Ambry Genetics); PubMed 35239206 (cited by Ambry Genetics and Women's Health and Genetics/Laboratory Corporation of America, LabCorp); PubMed 31638414 (cited by Women's Health and Genetics/Laboratory Corporation of America, LabCorp); PubMed 17952692 (cited by 3 submitters); PubMed 32429923 (cited by Women's Health and Genetics/Laboratory Corporation of America, LabCorp and Natera, Inc.); PubMed 32153140 (cited by Women's Health and Genetics/Laboratory Corporation of America, LabCorp and Natera, Inc.).